The following is an entry in ClinVar:

NM_003143.3(SSBP1):c.25G>A (p.Val9Ile)

Gene: SSBP1 (single stranded DNA binding protein 1; plus strand). Cytogenetic location: 7q34.
Variant type: single nucleotide variant.
Coding change: c.25G>A on transcript NM_003143.3 (MANE Select); coding-DNA position 25, G replaced by A.
Protein change: p.Val9Ile; replaces valine 9 with isoleucine.
Molecular consequence: missense variant. On other transcripts: non-coding transcript variant (1).
Genome position (GRCh38, 1-based): chr7:141,742,169, G>A. VCF-style: chr7-141742169-G-A. GRCh37 (hg19) VCF-style: chr7-141441969-G-A.
Other names: c.25G>A, p.Val9Ile (NM_001256510.1, NM_001256511.1, NM_001256512.1 and 1 more transcripts); c.25G>A (NM_003143.1); short protein forms V9I.
Identifiers: ClinVar variation 2583053 (VCV002583053.26), dbSNP rs762619942, ClinGen allele CA168111821.

ClinVar aggregate classification (germline): Uncertain significance. Review status: criteria provided, multiple submitters, no conflicts (2 of 4 stars). 2 submissions from 2 submitters: Uncertain significance (2). Last evaluated 2023-10-25.

Conditions:
Inborn genetic diseases. Identifiers: MedGen C0950123, MeSH D030342.

Allele frequency attached by ClinVar (database versions not stated): TOPMed 0.00002; gnomAD 0.00003; gnomAD exomes 0.00007.
gnomAD v4.1: 103 of 1,596,674 alleles (0.0065%); highest among the groups gnomAD compares: Non-Finnish European, 0.0083%; no homozygotes.

Submissions (2):

Ambry Genetics
Classification: Uncertain significance for Inborn genetic diseases. Last evaluated: 2023-10-25. Review status: criteria provided, single submitter. Criteria: Ambry Variant Classification Scheme 2023. Collection method: clinical testing. Allele origin: germline.

CeGaT Center for Human Genetics Tuebingen
Classification: Uncertain significance. Last evaluated: 2023-09-01. Review status: criteria provided, single submitter. Criteria: CeGaT Center For Human Genetics Tuebingen Variant Classification Criteria Version 2. Collection method: clinical testing. Allele origin: germline. Affected: yes. Observed: 1 variant allele.
Comment: SSBP1: PM2, BP4